The following is an entry in ClinVar:

ClinVar aggregate classification (germline): Likely benign. Review status: criteria provided, multiple submitters, no conflicts (2 of 4 stars). 2 submissions from 2 submitters: Likely benign (2). Last evaluated 2025-10-07.

Conditions:
Syndromic multisystem autoimmune disease due to ITCH deficiency. Also called: AUTOIMMUNE DISEASE, MULTISYSTEM, WITH FACIAL DYSMORPHISM. Identifiers: Orphanet 228426, MedGen C3150649, MONDO:0013245, OMIM 613385.

Allele frequency attached by ClinVar (database versions not stated): gnomAD exomes 0.00003 and 0.00004; TOPMed 0.00003; ExAC 0.00004; gnomAD 0.00005 and 0.00006.
gnomAD v4.1: 51 of 1,611,604 alleles (0.0032%); highest among the groups gnomAD compares: Non-Finnish European, 0.0037%; no homozygotes.

Submissions (2):

Labcorp Genetics (formerly Invitae), Labcorp
Classification: Likely benign for Syndromic multisystem autoimmune disease due to ITCH deficiency. Last evaluated: 2025-10-07. Review status: criteria provided, single submitter. Criteria: Invitae Variant Classification Sherloc (09022015). Collection method: clinical testing. Allele origin: germline.

CeGaT Center for Human Genetics Tuebingen
Classification: Likely benign. Last evaluated: 2022-04-01. Review status: criteria provided, single submitter. Criteria: CeGaT Center For Human Genetics Tuebingen Variant Classification Criteria Version 2. Collection method: clinical testing. Allele origin: germline. Affected: yes. Observed: 1 variant allele.
Comment: ITCH: BP4, BP7

NM_031483.7(ITCH):c.1272A>G (p.Gln424=)

Gene: ITCH (itchy E3 ubiquitin protein ligase; plus strand). Cytogenetic location: 20q11.22.
Variant type: single nucleotide variant.
Coding change: c.1272A>G on transcript NM_031483.7 (MANE Select); coding-DNA position 1272, A replaced by G.
Protein change: p.Gln424=; no amino-acid change (glutamine 424 retained).
Molecular consequence: synonymous variant.
Genome position (GRCh38, 1-based): chr20:34,457,451, A>G. VCF-style: chr20-34457451-A-G. GRCh37 (hg19) VCF-style: chr20-33045256-A-G.
Other names: c.1395A>G, p.Gln465= (NM_001257137.3, NM_001324197.2); c.942A>G, p.Gln314= (NM_001257138.3); c.1272A>G, p.Gln424= (NM_001324198.2).
Identifiers: ClinVar variation 471416 (VCV000471416.34), dbSNP rs749700496, ClinGen allele CA9821615.